The following is an entry in ClinVar:

ClinVar aggregate classification (germline): Conflicting classifications of pathogenicity. Review status: criteria provided, conflicting classifications (1 of 4 stars). 3 submissions from 3 submitters: Uncertain significance (2); Likely benign (1). Last evaluated 2025-08-30.

Conditions:
Inborn genetic diseases. Identifiers: MedGen C0950123, MeSH D030342.
Primary ciliary dyskinesia. Also called: Ciliary dyskinesia. Identifiers: Orphanet 244, MedGen C0008780, MONDO:0016575, HP:0012265.
Primary ciliary dyskinesia 21. Also called: CILIARY DYSKINESIA, PRIMARY, 21, WITHOUT SITUS INVERSUS. Identifiers: Orphanet 244, MedGen C3809087, MONDO:0014123, OMIM 615294.

Allele frequency attached by ClinVar (database versions not stated): ExAC 0.00004; gnomAD 0.00004; TOPMed 0.00006; gnomAD exomes 0.00007; ESP Exome Variant Server 0.00008; 1000 Genomes Project 30x 0.00016; 1000 Genomes Project 0.00020.
gnomAD v4.1: 103 of 1,613,922 alleles (0.0064%); highest among the groups gnomAD compares: Non-Finnish European, 0.0077%; 1 homozygote.

Submissions (3):

Ambry Genetics
Classification: Likely benign for Inborn genetic diseases. Last evaluated: 2025-08-30. Review status: criteria provided, single submitter. Criteria: Ambry Variant Classification Scheme 2023. Collection method: clinical testing. Allele origin: germline.

Labcorp Genetics (formerly Invitae), Labcorp
Classification: Uncertain significance for Primary ciliary dyskinesia. Last evaluated: 2022-06-30. Review status: criteria provided, single submitter. Criteria: Invitae Variant Classification Sherloc (09022015). Collection method: clinical testing. Allele origin: germline.
Comment: This sequence change replaces arginine, which is basic and polar, with histidine, which is basic and polar, at codon 464 of the DRC1 protein (p.Arg464His). This variant is present in population databases (rs200271366, gnomAD 0.03%). This variant has not been reported in the literature in individuals affected with DRC1-related conditions. ClinVar contains an entry for this variant (Variation ID: 1374288). Algorithms developed to predict the effect of missense changes on protein structure and function output the following: SIFT: "Tolerated"; PolyPhen-2: "Benign"; Align-GVGD: "Class C0". The histidine amino acid residue is found in multiple mammalian species, which suggests that this missense change does not adversely affect protein function. In summary, the available evidence is currently insufficient to determine the role of this variant in disease. Therefore, it has been classified as a Variant of Uncertain Significance.

Fulgent Genetics
Classification: Uncertain significance for Primary ciliary dyskinesia 21. Last evaluated: 2021-11-11. Review status: criteria provided, single submitter. Criteria: ACMG Guidelines, 2015. Collection method: clinical testing. Allele origin: unknown.

NM_145038.5(DRC1):c.1391G>A (p.Arg464His)

Gene: DRC1 (dynein regulatory complex subunit 1; plus strand). Cytogenetic location: 2p23.3.
Variant type: single nucleotide variant.
Coding change: c.1391G>A on transcript NM_145038.5 (MANE Select); coding-DNA position 1391, G replaced by A.
Protein change: p.Arg464His; replaces arginine 464 with histidine.
Molecular consequence: missense variant.
Genome position (GRCh38, 1-based): chr2:26,444,943, G>A. VCF-style: chr2-26444943-G-A. GRCh37 (hg19) VCF-style: chr2-26667811-G-A.
Other names: c.1391G>A (NM_145038.2); short protein forms R464H.
Identifiers: ClinVar variation 1374288 (VCV001374288.7), dbSNP rs200271366, ClinGen allele CA1562214.